The following is an entry in ClinVar:

ClinVar aggregate classification (germline): Uncertain significance. Review status: criteria provided, multiple submitters, no conflicts (2 of 4 stars). 3 submissions from 3 submitters: Uncertain significance (2). 1 of the submissions does not count toward it. Last evaluated 2022-10-24.

Conditions:
ITGB2-related disorder. Also called: ITGB2-related condition.
Leukocyte adhesion deficiency 1 (LAD1). Also called: LEUKOCYTE ADHESION DEFICIENCY, TYPE I; LAD 1; Lymphocyte function-associated antigen 1 immunodeficiency; LFA 1 immunodeficiency. Identifiers: Orphanet 2968, Orphanet 99842, MedGen C0398738, MONDO:0007293, OMIM 116920.

Allele frequency attached by ClinVar (database versions not stated): gnomAD 0.00003 and 0.00004; gnomAD exomes 0.00003 and 0.00006; ExAC 0.00004; TOPMed 0.00006; ESP Exome Variant Server 0.00008.
gnomAD v4.1: 70 of 1,612,612 alleles (0.0043%); highest among the groups gnomAD compares: East Asian, 0.036%; no homozygotes.

Submissions (3):

Labcorp Genetics (formerly Invitae), Labcorp
Classification: Uncertain significance for Leukocyte adhesion deficiency 1. Last evaluated: 2022-10-24. Review status: criteria provided, single submitter. Criteria: Invitae Variant Classification Sherloc (09022015). Collection method: clinical testing. Allele origin: germline.
Comment: This sequence change replaces arginine, which is basic and polar, with glutamine, which is neutral and polar, at codon 448 of the ITGB2 protein (p.Arg448Gln). This variant is present in population databases (rs149279736, gnomAD 0.03%). This variant has not been reported in the literature in individuals affected with ITGB2-related conditions. ClinVar contains an entry for this variant (Variation ID: 579367). Algorithms developed to predict the effect of missense changes on protein structure and function output the following: SIFT: "Tolerated"; PolyPhen-2: "Benign"; Align-GVGD: "Class C0". The glutamine amino acid residue is found in multiple mammalian species, which suggests that this missense change does not adversely affect protein function. In summary, the available evidence is currently insufficient to determine the role of this variant in disease. Therefore, it has been classified as a Variant of Uncertain Significance.

Mayo Clinic Laboratories, Mayo Clinic
Classification: Uncertain significance. Last evaluated: 2021-12-14. Review status: criteria provided, single submitter. Criteria: ACMG Guidelines, 2015. Collection method: clinical testing. Allele origin: germline.

PreventionGenetics, part of Exact Sciences
Classification: Uncertain significance for ITGB2-related condition. Last evaluated: 2024-02-29. Review status: no assertion criteria provided. Collection method: clinical testing. Allele origin: germline. Not counted in ClinVar's aggregate classification.
Comment: The ITGB2 c.1343G>A variant is predicted to result in the amino acid substitution p.Arg448Gln. To our knowledge, this variant has not been reported in the literature. This variant is reported in 0.029% of alleles in individuals of South Asian descent in gnomAD. At this time, the clinical significance of this variant is uncertain due to the absence of conclusive functional and genetic evidence.

NM_000211.5(ITGB2):c.1343G>A (p.Arg448Gln)

Gene: ITGB2 (integrin subunit beta 2; minus strand). Cytogenetic location: 21q22.3.
Variant type: single nucleotide variant.
Coding change: c.1343G>A on transcript NM_000211.5 (MANE Select); coding-DNA position 1343, G replaced by A.
Protein change: p.Arg448Gln; replaces arginine 448 with glutamine.
Molecular consequence: missense variant.
Genome position (GRCh38, 1-based): chr21:44,891,878, C>T on the plus strand (G>A on the coding strand, the complement: ITGB2 is on the minus strand). VCF-style: chr21-44891878-C-T. GRCh37 (hg19) VCF-style: chr21-46311793-C-T.
Other names: p.Arg448Gln; c.1343G>A, p.Arg448Gln (NM_001127491.3); c.1136G>A, p.Arg379Gln (NM_001303238.2); short protein forms R448Q, R379Q.
Identifiers: ClinVar variation 579367 (VCV000579367.11), dbSNP rs149279736, ClinGen allele CA10062853.
Genomic context (GRCh38, chr21:44,891,878, plus strand): 5'-CCGCACTCCAAGAAGCCCTTGCCATGGCAGAGGCTGCGGTCTCTGCTCTGGTCCCGGCAC[C>T]GGCACTCACACTGGGGAAGAACCTGCACGGTCACTATGTCCGTGAAGCCCAGCGCCCGGA-3'
Protein context (NP_000202.3, residues 438-458): TVQVLPQCEC[Arg448Gln]CRDQSRDRSL